The following is an entry in ClinVar:

NM_000548.5(TSC2):c.4423G>A (p.Val1475Ile)

Gene: TSC2 (TSC complex subunit 2; plus strand). Cytogenetic location: 16p13.3.
Variant type: single nucleotide variant.
Coding change: c.4423G>A on transcript NM_000548.5 (MANE Select); coding-DNA position 4423, G replaced by A.
Protein change: p.Val1475Ile; replaces valine 1475 with isoleucine.
Molecular consequence: missense variant.
Genome position (GRCh38, 1-based): chr16:2,084,645, G>A. VCF-style: chr16-2084645-G-A. GRCh37 (hg19) VCF-style: chr16-2134646-G-A.
Other names: c.4222G>A, p.Val1408Ile (NM_001077183.3); c.4354G>A, p.Val1452Ile (NM_001114382.3); c.4114G>A, p.Val1372Ile (NM_001318827.2); c.4078G>A, p.Val1360Ile (NM_001318829.2); c.3691G>A, p.Val1231Ile (NM_001318831.2); c.4255G>A, p.Val1419Ile (NM_001318832.2); c.4225G>A, p.Val1409Ile (NM_001363528.2); c.4291G>A, p.Val1431Ile (NM_001370404.1); and 1 more; short protein forms V1360I, V1431I, V1432I, V1408I, V1409I, V1419I, V1231I, V1372I.
Identifiers: ClinVar variation 944447 (VCV000944447.17), dbSNP rs1202676769, ClinGen allele CA394302176.
Genomic context (GRCh38, chr16:2,084,645, plus strand): 5'-GGCCTCCGGCCCCGAGGTTACACCATCTCCGACTCGGCCCCATCACGCAGGGGCAAGAGA[G>A]TAGAGAGGGACGCCTTAAAGAGCAGAGCCACAGCCTCCAATGCAGAGAAAGTGCCAGGCA-3'
Protein context (NP_000539.2, residues 1465-1485): DSAPSRRGKR[Val1475Ile]ERDALKSRAT

ClinVar aggregate classification (germline): Conflicting classifications of pathogenicity. Review status: criteria provided, conflicting classifications (1 of 4 stars). 5 submissions from 5 submitters: Uncertain significance (4); Benign (1). Last evaluated 2025-10-06.

Conditions:
Isolated focal cortical dysplasia type II (FCORD2). Also called: Focal cortical dysplasia type II; CORTICAL DYSPLASIA OF TAYLOR. Identifiers: Orphanet 268994, MedGen C1846385, MONDO:0011818, OMIM 607341, HP:0032051.
Hereditary cancer-predisposing syndrome. Also called: Neoplastic Syndromes, Hereditary; Hereditary neoplastic syndrome; Hereditary Cancer Syndrome; Tumor predisposition. Identifiers: Orphanet 140162, MedGen C0027672, MeSH D009386, MONDO:0015356.
Tuberous sclerosis 2 (TSC2). Identifiers: Orphanet 805, MedGen C1860707, MONDO:0013199, OMIM 613254.

Allele frequency attached by ClinVar (database versions not stated): gnomAD exomes below 0.00001 and 0.00001.
gnomAD v4.1: 10 of 1,599,790 alleles (0.00063%); highest among the groups gnomAD compares: Admixed American, 0.0017%; no homozygotes.

Submissions (5):

Labcorp Genetics (formerly Invitae), Labcorp
Classification: Benign for Tuberous sclerosis 2. Last evaluated: 2025-10-06. Review status: criteria provided, single submitter. Criteria: Invitae Variant Classification Sherloc (09022015). Collection method: clinical testing. Allele origin: germline.

Ambry Genetics
Classification: Uncertain significance for Hereditary cancer-predisposing syndrome. Last evaluated: 2025-01-13. Review status: criteria provided, single submitter. Criteria: Ambry Variant Classification Scheme 2023. Collection method: clinical testing. Allele origin: germline.
Comment: The p.V1475I variant (also known as c.4423G>A), located in coding exon 33 of the TSC2 gene, results from a G to A substitution at nucleotide position 4423. The valine at codon 1475 is replaced by isoleucine, an amino acid with highly similar properties. This amino acid position is not well conserved in available vertebrate species. In addition, the in silico prediction for this alteration is inconclusive. Based on the available evidence, the clinical significance of this variant remains unclear.

Baylor Genetics
Classification: Uncertain significance for Isolated focal cortical dysplasia type II. Last evaluated: 2021-12-22. Review status: criteria provided, single submitter. Criteria: ACMG Guidelines, 2015. Collection method: clinical testing. Allele origin: unknown.

Genome-Nilou Lab
Classification: Uncertain significance for Tuberous sclerosis 2. Last evaluated: 2021-11-07. Review status: criteria provided, single submitter. Criteria: ACMG Guidelines, 2015. Collection method: clinical testing. Allele origin: germline. Affected: no.

GeneDx
Classification: Uncertain significance. Last evaluated: 2021-04-12. Review status: criteria provided, single submitter. Criteria: GeneDx Variant Classification Process June 2021. Collection method: clinical testing. Allele origin: germline. Affected: yes.
Comment: In silico analysis supports that this missense variant does not alter protein structure/function; Has not been previously published as pathogenic or benign to our knowledge